The following is an entry in ClinVar:

NM_001369.3(DNAH5):c.12596G>A (p.Arg4199His)

Gene: DNAH5 (dynein axonemal heavy chain 5; minus strand). Cytogenetic location: 5p15.2.
Variant type: single nucleotide variant.
Coding change: c.12596G>A on transcript NM_001369.3 (MANE Select); coding-DNA position 12596, G replaced by A.
Protein change: p.Arg4199His; replaces arginine 4199 with histidine.
Molecular consequence: missense variant.
Genome position (GRCh38, 1-based): chr5:13,717,424, C>T on the plus strand (G>A on the coding strand, the complement: DNAH5 is on the minus strand). VCF-style: chr5-13717424-C-T. GRCh37 (hg19) VCF-style: chr5-13717533-C-T.
Other names: short protein forms R4199H.
Identifiers: ClinVar variation 842947 (VCV000842947.16), dbSNP rs375694023, ClinGen allele CA113919237.

ClinVar aggregate classification (germline): Conflicting classifications of pathogenicity. Review status: criteria provided, conflicting classifications (1 of 4 stars). 5 submissions from 5 submitters: Uncertain significance (4); Likely benign (1). Last evaluated 2025-11-06.

Conditions:
Primary ciliary dyskinesia. Also called: Ciliary dyskinesia. Identifiers: Orphanet 244, MedGen C0008780, MONDO:0016575, HP:0012265.
Primary ciliary dyskinesia 3. Identifiers: Orphanet 244, MedGen C1837618, MONDO:0012085, OMIM 608644.

Allele frequency attached by ClinVar (database versions not stated): gnomAD exomes below 0.00001 and 0.00002; gnomAD 0.00001; TOPMed 0.00006; ESP Exome Variant Server 0.00008.
gnomAD v4.1: 27 of 1,613,980 alleles (0.0017%); highest among the groups gnomAD compares: Admixed American, 0.0033%; no homozygotes.

Submissions (5):

Labcorp Genetics (formerly Invitae), Labcorp
Classification: Likely benign for Primary ciliary dyskinesia. Last evaluated: 2025-11-06. Review status: criteria provided, single submitter. Criteria: Invitae Variant Classification Sherloc (09022015). Collection method: clinical testing. Allele origin: germline.

Ambry Genetics
Classification: Uncertain significance for Primary ciliary dyskinesia. Last evaluated: 2025-07-07. Review status: criteria provided, single submitter. Criteria: Ambry Variant Classification Scheme 2023. Collection method: clinical testing. Allele origin: germline.
Comment: The p.R4199H variant (also known as c.12596G>A), located in coding exon 73 of the DNAH5 gene, results from a G to A substitution at nucleotide position 12596. The arginine at codon 4199 is replaced by histidine, an amino acid with highly similar properties. This amino acid position is conserved. In addition, the in silico prediction for this alteration is inconclusive. Based on the available evidence, the clinical significance of this variant remains unclear.

GeneDx
Classification: Uncertain significance. Last evaluated: 2024-06-11. Review status: criteria provided, single submitter. Criteria: GeneDx Variant Classification Process June 2021. Collection method: clinical testing. Allele origin: germline. Affected: yes.
Comment: In silico analysis supports that this missense variant has a deleterious effect on protein structure/function; Has not been previously published as pathogenic or benign to our knowledge

Blueprint Genetics
Classification: Uncertain significance. Last evaluated: 2023-11-28. Review status: criteria provided, single submitter. Criteria: ACMG Guidelines, 2015. Collection method: clinical testing. Allele origin: germline.

Illumina Laboratory Services, Illumina
Classification: Uncertain significance for Primary ciliary dyskinesia 3. Last evaluated: 2018-01-13. Review status: criteria provided, single submitter. Criteria: ICSL Variant Classification Criteria 13 December 2019. Collection method: clinical testing. Allele origin: germline.